The following is an entry in ClinVar:

ClinVar aggregate classification (germline): Pathogenic (1 of 4 stars; one submission).

Conditions:
Inborn genetic diseases. Identifiers: MedGen C0950123, MeSH D030342.

Submission:

Ambry Genetics
Classification: Pathogenic for Inborn genetic diseases. Last evaluated: 2014-10-07. Review status: criteria provided, single submitter. Criteria: Ambry Variant Classification Scheme 2023. Collection method: clinical testing. Allele origin: germline.
Comment: The c.1623_1630delGCACACCA (p.H542Afs*34) alteration, located in exon 9 (coding exon 7) of the ANKRD11 gene, consists of a deletion of 8 nucleotides from position 1623 to 1630, causing a translational frameshift with a predicted alternate stop codon after 34 amino acids. Frameshift alterations are typically deleterious in nature (Richards, 2015). Based on the available evidence, this alteration is classified as pathogenic.

NM_013275.6(ANKRD11):c.1623_1630del (p.His542fs)

Gene: ANKRD11 (ankyrin repeat domain containing 11; minus strand). Cytogenetic location: 16q24.3.
Variant type: Deletion.
Coding change: c.1623_1630del on transcript NM_013275.6 (MANE Select); coding-DNA positions 1623 to 1630, 8 bases deleted (GCACACCA; older notation c.1623_1630delGCACACCA).
Protein change: p.His542fs; shifts the reading frame from histidine 542.
Molecular consequence: frameshift variant.
Genome position (GRCh38, 1-based): chr16:89,284,912-89,284,919, TGGTGTGC deleted on the plus strand (GCACACCA on the coding strand, the reverse complement: ANKRD11 is on the minus strand); deleting any 8 consecutive bases within chr16:89,284,912-89,284,923 gives the same sequence; the c. name uses the placement nearest the transcript's 3' end. VCF-style (leftmost placement, unchanged base first): chr16-89284911-TTGGTGTGC-T. GRCh37 (hg19) VCF-style: chr16-89351319-TTGGTGTGC-T.
Other names: c.1623_1630del, p.His542fs (NM_001256182.2, NM_001256183.2); short protein forms H542fs.
Identifiers: ClinVar variation 520579 (VCV000520579.5), dbSNP rs1555529572, ClinGen allele CA658798666.
Genomic context (GRCh38, chr16:89,284,911, plus strand): 5'-GAACTGACCTCTGACCAAGCCGGGGAAGAAATGGTTTTCCAATTGTCTGTCCGCCAGTGC[TTGGTGTGC>T]TGGTCTGTGTGGCTGGGGTTCTGCTTCTGGGCGGCAGAGCTCCCGTGAGACGAGGTGGAG-3'